The following is an entry in ClinVar:

ClinVar aggregate classification (germline): Conflicting classifications of pathogenicity. Review status: criteria provided, conflicting classifications (1 of 4 stars). 2 submissions from 2 submitters: Uncertain significance (1); Likely benign (1). Last evaluated 2025-10-29.

Conditions:
CNTNAP4-related disorder. Also called: CNTNAP4-related condition.

Allele frequency attached by ClinVar (database versions not stated): TOPMed below 0.00001; gnomAD 0.00001.
gnomAD v4.1: 4 of 1,611,040 alleles (0.00025%); highest among the groups gnomAD compares: Non-Finnish European, 0.00034%; no homozygotes.

Submissions (2):

Ambry Genetics
Classification: Uncertain significance. Last evaluated: 2025-10-29. Review status: criteria provided, single submitter. Criteria: Ambry Variant Classification Scheme 2023. Collection method: clinical testing. Allele origin: germline.

PreventionGenetics, part of Exact Sciences
Classification: Likely benign for CNTNAP4-related condition. Last evaluated: 2022-04-06. Review status: criteria provided, single submitter. Criteria: ACMG Guidelines, 2015. Collection method: clinical testing. Allele origin: germline.
Comment: This variant is classified as likely benign based on ACMG/AMP sequence variant interpretation guidelines (Richards et al. 2015 PMID: 25741868, with internal and published modifications).

NM_033401.5(CNTNAP4):c.1817T>A (p.Phe606Tyr)

Gene: CNTNAP4 (contactin associated protein family member 4; plus strand). Cytogenetic location: 16q23.1.
Variant type: single nucleotide variant.
Coding change: c.1817T>A on transcript NM_033401.5 (MANE Select); coding-DNA position 1817, T replaced by A.
Protein change: p.Phe606Tyr; replaces phenylalanine 606 with tyrosine.
Molecular consequence: missense variant. On other transcripts: non-coding transcript variant (3).
Genome position (GRCh38, 1-based): chr16:76,479,473, T>A. VCF-style: chr16-76479473-T-A. GRCh37 (hg19) VCF-style: chr16-76513370-T-A.
Other names: c.1817T>A (NM_033401.3); c.1667T>A, p.Phe556Tyr (NM_001322178.2); c.1817T>A, p.Phe606Tyr (NM_001322179.2, NM_001322188.2); c.1430T>A, p.Phe477Tyr (NM_001322180.2); c.1814T>A, p.Phe605Tyr (NM_001322181.2); c.401T>A, p.Phe134Tyr (NM_001322187.2); c.1553T>A, p.Phe518Tyr (NM_001322189.2); c.1673T>A, p.Phe558Tyr (NM_001322190.2); and 2 more; short protein forms F134Y, F297Y, F477Y, F518Y, F533Y, F556Y, F558Y, F605Y.
Identifiers: ClinVar variation 3047349 (VCV003047349.2), dbSNP rs1214977180, ClinGen allele CA396811231.